The following is an entry in ClinVar:

NM_000334.4(SCN4A):c.3679T>C (p.Tyr1227His)

Genes: GH-LCR (growth hormone locus control region; plus strand), SCN4A (sodium voltage-gated channel alpha subunit 4; minus strand). Cytogenetic location: 17q23.3.
Variant type: single nucleotide variant.
Coding change: c.3679T>C on transcript NM_000334.4 (MANE Select); coding-DNA position 3679, T replaced by C.
Protein change: p.Tyr1227His; replaces tyrosine 1227 with histidine.
Molecular consequence: missense variant.
Genome position (GRCh38, 1-based): chr17:63,945,401, A>G on the plus strand (T>C on the coding strand, the complement: SCN4A is on the minus strand). VCF-style: chr17-63945401-A-G. GRCh37 (hg19) VCF-style: chr17-62022761-A-G.
Other names: short protein forms Y1227H.
Identifiers: ClinVar variation 889158 (VCV000889158.5), dbSNP rs1908682760, ClinGen allele CA400617760.

ClinVar aggregate classification (germline): Uncertain significance. Review status: criteria provided, multiple submitters, no conflicts (2 of 4 stars). 6 submissions from 2 submitters: Uncertain significance (6). Last evaluated 2022-02-02.

Conditions:
SCN4A-related myopathy, autosomal recessive. Identifiers: MedGen CN294783, MONDO:0100121.
Congenital myasthenic syndrome 16. Identifiers: Orphanet 590, MedGen C3280112, MONDO:0013620, OMIM 614198.
Paramyotonia congenita of Von Eulenburg. Also called: PARALYSIS PERIODICA PARAMYOTONICA; Eulenburg disease; Myotonia congenita intermittens; Von Eulenburg paramyotonia congenita; Paramyotonia Congenita. Identifiers: Orphanet 684, MedGen C0221055, MONDO:0008195, OMIM 168300. Disease mechanism: loss of function.
Hypokalemic periodic paralysis, type 2 (HOKPP2). Identifiers: Orphanet 681, MedGen C2750061, MONDO:0013234, OMIM 613345.
Potassium-aggravated myotonia. Also called: Myotonia congenita, atypical, acetazolamide-responsive; MYOTONIA CONGENITA, ACETAZOLAMIDE-RESPONSIVE; MYOTONIA CONGENITA, ATYPICAL; SODIUM CHANNEL MUSCLE DISEASE. Identifiers: Orphanet 612, Orphanet 99734, Orphanet 99735, Orphanet 99736, MedGen C2931826, MONDO:0018959, OMIM 608390.
Hyperkalemic periodic paralysis. Also called: Gamstorp disease; Familial hyperkalemic periodic paralysis. Identifiers: Orphanet 682, MedGen C0238357, MONDO:0008224, OMIM 170500, HP:0007215.

Allele frequency attached by ClinVar (database versions not stated): gnomAD exomes below 0.00001.

Submissions (6):

Victorian Clinical Genetics Services, Murdoch Childrens Research Institute
Classification: Uncertain significance for SCN4A-related myopathy, autosomal recessive. Last evaluated: 2022-02-02. Review status: criteria provided, single submitter. Criteria: ACMG Guidelines, 2015. Collection method: clinical testing. Allele origin: germline. Inheritance: Autosomal recessive inheritance. Affected: yes.
Comment: Based on the classification scheme VCGS_Germline_v1.3.4, this variant is classified as VUS-3A. Following criteria are met: 0103 - Loss of function (LoF) and gain of function (GoF) are known mechanisms of disease in this gene and are associated with SCN4A-related disease. GoF is a well characterised disease mechanism for autosomal dominant SCN4A-related diseases, while LoF is a mechanism associated with autosomal recessive SCN4A-related diseases (PMID: 26700687, OMIM). (I) 0108 - This gene is associated with both recessive and dominant disease. Variants in this gene are usually inherited in a dominant manner, however rare reports of recessive inheritance have been reported (PMID: 24549961, OMIM). (I) 0115 - Variants in this gene are known to have variable expressivity. Some individuals carrying pathogenic variants do not present with a typical clinical phenotype, however they do have detectable signs of myotonia on EMG (GeneReviews). (I) 0200 - Variant is predicted to result in a missense amino acid change from tyrosine to histidine. (I) 0251 - This variant is heterozygous. (I) 0301 - Variant is absent from gnomAD (both v2 and v3). (SP) 0501 - Missense variant consistently predicted to be damaging by multiple in silico tools or highly conserved with a major amino acid change. (SP) 0600 - Variant is located in the annotated ion transport domain (NCBI). (I) 0705 - No comparable missense variants have previous evidence for pathogenicity. (I) 0804 - This variant has previously been described as a variant of uncertain significance once despite being absent in the general population (ClinVar). (I) 0905 - No published segregation evidence has been identified for this variant. (I) 1007 - No published functional evidence has been identified for this variant. (I) 1201 - Heterozygous variant detected in trans with a second pathogenic heterozygous variant (p.(Thr1313Met)) in a recessive disease. (I) Legend: (SP) - Supporting pathogenic, (I) - Information, (SB) - Supporting benign

Illumina Laboratory Services, Illumina
Classification: Uncertain significance for Potassium-aggravated myotonia. Last evaluated: 2018-01-12. Review status: criteria provided, single submitter. Criteria: ICSL Variant Classification Criteria 13 December 2019. Collection method: clinical testing. Allele origin: germline.

Illumina Laboratory Services, Illumina
Classification: Uncertain significance for Hyperkalemic periodic paralysis. Last evaluated: 2018-01-12. Review status: criteria provided, single submitter. Criteria: ICSL Variant Classification Criteria 13 December 2019. Collection method: clinical testing. Allele origin: germline.

Illumina Laboratory Services, Illumina
Classification: Uncertain significance for Congenital myasthenic syndrome 16. Last evaluated: 2018-01-12. Review status: criteria provided, single submitter. Criteria: ICSL Variant Classification Criteria 13 December 2019. Collection method: clinical testing. Allele origin: germline.

Illumina Laboratory Services, Illumina
Classification: Uncertain significance for Paramyotonia congenita of Von Eulenburg. Last evaluated: 2018-01-12. Review status: criteria provided, single submitter. Criteria: ICSL Variant Classification Criteria 13 December 2019. Collection method: clinical testing. Allele origin: germline.

Illumina Laboratory Services, Illumina
Classification: Uncertain significance for Hypokalemic periodic paralysis, type 2. Last evaluated: 2018-01-12. Review status: criteria provided, single submitter. Criteria: ICSL Variant Classification Criteria 13 December 2019. Collection method: clinical testing. Allele origin: germline.

Literature cited by the submitters: PubMed 24549961 (cited by Victorian Clinical Genetics Services, Murdoch Childrens Research Institute); PubMed 26700687 (cited by Victorian Clinical Genetics Services, Murdoch Childrens Research Institute).